The following is an entry in ClinVar:

ClinVar aggregate classification (germline): Uncertain significance. Review status: criteria provided, multiple submitters, no conflicts (2 of 4 stars). 2 submissions from 2 submitters: Uncertain significance (2). Last evaluated 2025-11-12.

Conditions:
Hereditary cancer-predisposing syndrome. Also called: Tumor predisposition; Hereditary Cancer Syndrome; Hereditary neoplastic syndrome; Neoplastic Syndromes, Hereditary. Identifiers: Orphanet 140162, MedGen C0027672, MeSH D009386, MONDO:0015356.
Multiple endocrine neoplasia, type 2 (MEN2). Identifiers: Orphanet 653, MedGen C4048306, MONDO:0019003. Disease mechanism: gain of function.

Allele frequency attached by ClinVar (database versions not stated): TOPMed 0.00001; gnomAD 0.00002.
gnomAD v4.1: 4 of 1,612,426 alleles (0.00025%); highest among the groups gnomAD compares: African/African-American, 0.004%; no homozygotes.

Submissions (2):

Ambry Genetics
Classification: Uncertain significance for Hereditary cancer-predisposing syndrome. Last evaluated: 2025-11-12. Review status: criteria provided, single submitter. Criteria: Ambry Variant Classification Scheme 2023. Collection method: clinical testing. Allele origin: germline.
Comment: The p.A420S variant (also known as c.1258G>T), located in coding exon 6 of the RET gene, results from a G to T substitution at nucleotide position 1258. The alanine at codon 420 is replaced by serine, an amino acid with similar properties. This amino acid position is conserved. In addition, this alteration is predicted to be tolerated by in silico analysis. Since supporting evidence is limited at this time, the clinical significance of this alteration remains unclear.

Labcorp Genetics (formerly Invitae), Labcorp
Classification: Uncertain significance for Multiple endocrine neoplasia, type 2. Last evaluated: 2025-08-04. Review status: criteria provided, single submitter. Criteria: Invitae Variant Classification Sherloc (09022015). Collection method: clinical testing. Allele origin: germline.
Comment: This sequence change replaces alanine, which is neutral and non-polar, with serine, which is neutral and polar, at codon 420 of the RET protein (p.Ala420Ser). This variant is present in population databases (no rsID available, gnomAD 0.01%). This variant has not been reported in the literature in individuals affected with RET-related conditions. ClinVar contains an entry for this variant (Variation ID: 2618978). An algorithm developed to predict the effect of missense changes on protein structure and function (PolyPhen-2) suggests that this variant is likely to be disruptive. In summary, the available evidence is currently insufficient to determine the role of this variant in disease. Therefore, it has been classified as a Variant of Uncertain Significance.

NM_020975.6(RET):c.1258G>T (p.Ala420Ser)

Gene: RET (ret proto-oncogene; plus strand). Cytogenetic location: 10q11.21.
Variant type: single nucleotide variant.
Coding change: c.1258G>T on transcript NM_020975.6 (MANE Select); coding-DNA position 1258, G replaced by T.
Protein change: p.Ala420Ser; replaces alanine 420 with serine.
Molecular consequence: missense variant. On other transcripts: intron variant (18).
Genome position (GRCh38, 1-based): chr10:43,109,225, G>T. VCF-style: chr10-43109225-G-T. GRCh37 (hg19) VCF-style: chr10-43604673-G-T.
Other names: c.1258G>T, p.Ala420Ser (NM_000323.2, NM_001406743.1, NM_001406744.1 and 6 more transcripts); c.496G>T, p.Ala166Ser (NM_001355216.2); c.1129G>T, p.Ala377Ser (NM_001406761.1, NM_001406762.1, NM_001406764.1 and 1 more transcripts); c.970G>T, p.Ala324Ser (NM_001406766.1, NM_001406767.1, NM_001406770.1); c.820G>T, p.Ala274Ser (NM_001406771.1, NM_001406773.1); c.532G>T, p.Ala178Ser (NM_001406775.1, NM_001406776.1, NM_001406777.1 and 1 more transcripts); c.268G>T, p.Ala90Ser (NM_001406784.1); c.868-1982G>T (NM_001406772.1, NM_001406769.1); and 5 more; short protein forms A90S, A178S, A274S, A324S, A420S, A166S, A377S.
Identifiers: ClinVar variation 2618978 (VCV002618978.5), dbSNP rs769548635, ClinGen allele CA376548104.